The following is an entry in ClinVar:

NM_006469.5(IVNS1ABP):c.1511A>C (p.Gln504Pro)

Gene: IVNS1ABP (influenza virus NS1A binding protein; minus strand). Cytogenetic location: 1q25.3.
Variant type: single nucleotide variant.
Coding change: c.1511A>C on transcript NM_006469.5 (MANE Select); coding-DNA position 1511, A replaced by C.
Protein change: p.Gln504Pro; replaces glutamine 504 with proline.
Molecular consequence: missense variant.
Genome position (GRCh38, 1-based): chr1:185,299,874, T>G on the plus strand (A>C on the coding strand, the complement: IVNS1ABP is on the minus strand). VCF-style: chr1-185299874-T-G. GRCh37 (hg19) VCF-style: chr1-185269006-T-G.
Other names: short protein forms Q504P.
Identifiers: ClinVar variation 4056506 (VCV004056506.1).

ClinVar aggregate classification (germline): Uncertain significance (1 of 4 stars; one submission).

Conditions:
Immunodeficiency 70. Identifiers: MedGen C5436501, MONDO:0033542, OMIM 618969.

Submission:

Laboratorio de Genetica e Diagnostico Molecular, Hospital Israelita Albert Einstein
Classification: Uncertain significance for Immunodeficiency 70. Last evaluated: 2023-07-24. Review status: criteria provided, single submitter. Criteria: ACMG Guidelines, 2015. Collection method: clinical testing. Allele origin: germline. Affected: yes.
Comment: ACMG classification criteria: PM2 moderate, PP3 supporting